The following is an entry in ClinVar:

NM_172245.4(CSF2RA):c.599A>T (p.Glu200Val)

Gene: CSF2RA (colony stimulating factor 2 receptor subunit alpha; plus strand). Cytogenetic location: Xp22.33.
Variant type: single nucleotide variant.
Coding change: c.599A>T on transcript NM_172245.4 (MANE Select); coding-DNA position 599, A replaced by T.
Protein change: p.Glu200Val; replaces glutamic acid 200 with valine.
Molecular consequence: missense variant. On other transcripts: non-coding transcript variant (1).
Genome position (GRCh38, 1-based): chrX:1,290,462, A>T. VCF-style: chrX-1290462-A-T. GRCh37 (hg19) VCF-style: chrX-1409355-A-T.
Other names: c.599A>T, p.Glu200Val (NM_001161529.2, NM_001161530.2, NM_001161531.2 and 20 more transcripts); c.200A>T, p.Glu67Val (NM_001161532.2); short protein forms E67V, E200V.
Identifiers: ClinVar variation 1485592 (VCV001485592.7), dbSNP rs1161675124, ClinGen allele CA412235738.

ClinVar aggregate classification (germline): Uncertain significance (1 of 4 stars; one submission).

Conditions:
Surfactant metabolism dysfunction, pulmonary, 4 (SMDP4). Also called: PAP DUE TO CSF2RA DEFICIENCY; PULMONARY ALVEOLAR PROTEINOSIS, CONGENITAL, 4; CSF2RA DEFICIENCY. Identifiers: Orphanet 264675, MedGen C2677877, MONDO:0010424, OMIM 300770.

Allele frequency attached by ClinVar (database versions not stated): gnomAD exomes below 0.00001 and 0.00001; gnomAD 0.00001.
gnomAD v4.1: 7 of 1,613,802 alleles (0.00043%); highest among the groups gnomAD compares: Non-Finnish European, 0.00059%; no homozygotes.

Submission:

Labcorp Genetics (formerly Invitae), Labcorp
Classification: Uncertain significance for Surfactant metabolism dysfunction, pulmonary, 4. Last evaluated: 2023-12-18. Review status: criteria provided, single submitter. Criteria: Invitae Variant Classification Sherloc (09022015). Collection method: clinical testing. Allele origin: germline.
Comment: This sequence change replaces glutamic acid, which is acidic and polar, with valine, which is neutral and non-polar, at codon 200 of the CSF2RA protein (p.Glu200Val). This variant is present in population databases (no rsID available, gnomAD 0.003%). This variant has not been reported in the literature in individuals affected with CSF2RA-related conditions. ClinVar contains an entry for this variant (Variation ID: 1485592). Advanced modeling of protein sequence and biophysical properties (such as structural, functional, and spatial information, amino acid conservation, physicochemical variation, residue mobility, and thermodynamic stability) performed at Invitae indicates that this missense variant is not expected to disrupt CSF2RA protein function with a negative predictive value of 80%. In summary, the available evidence is currently insufficient to determine the role of this variant in disease. Therefore, it has been classified as a Variant of Uncertain Significance.